The following is an entry in ClinVar:

ClinVar aggregate classification (germline): Uncertain significance (0 of 4 stars; one submission).

Allele frequency attached by ClinVar (database versions not stated): gnomAD 0.00001.
gnomAD v4.1: 2 of 1,612,412 alleles (0.00012%); highest among the groups gnomAD compares: African/African-American, 0.0027%; no homozygotes.

Submission:

New York Genome Center
Classification: Uncertain significance. Last evaluated: 2019-11-21. Review status: no assertion criteria provided. Collection method: clinical testing. Allele origin: germline. Affected: yes. Observed: 1 heterozygote.
Comment: The c.592G>C (p.Val198Leu) variant substitutes a highly conserved Valine for Leucine at amino acid 198/1299 (coding exon 3/27). This variant is absent from gnomAD suggesting it is not a common benign variant in the populations represented in this database. In silico algorithms predict this variant to be Neutral (Provean; score:-0.69) and Tolerated (SIFT; score: 0.323) to the function of the canonical transcript. To our current knowledge this variant has not been reported in affected individuals in the literature. The vast majority of reported EHMT1 pathogenic variants are nonsense, frameshift, or canonical splice variants, however missense variants with loss of function conseqeunces have also been reported [PMID:29459631]. The p.Val198 residue is at the N-terminus of the protein and is not within a mapped domain.

NM_024757.5(EHMT1):c.592G>C (p.Val198Leu)

Gene: EHMT1 (euchromatic histone lysine methyltransferase 1; plus strand). Cytogenetic location: 9q34.3.
Variant type: single nucleotide variant.
Coding change: c.592G>C on transcript NM_024757.5 (MANE Select); coding-DNA position 592, G replaced by C.
Protein change: p.Val198Leu; replaces valine 198 with leucine.
Molecular consequence: missense variant.
Genome position (GRCh38, 1-based): chr9:137,717,132, G>C. VCF-style: chr9-137717132-G-C. GRCh37 (hg19) VCF-style: chr9-140611584-G-C.
Other names: c.592G>C, p.Val198Leu (NM_001145527.2, NM_001354263.2, NM_001354611.2); c.499G>C, p.Val167Leu (NM_001354259.2, NM_001354612.2); short protein forms V167L, V198L.
Identifiers: ClinVar variation 977436 (VCV000977436.2), dbSNP rs761554206, ClinGen allele CA375766228.
Genomic context (GRCh38, chr9:137,717,132, plus strand): 5'-ACCCTTGGGGAGGGGAGTGCTGACACAGAGGACAGGAAGCTCCCGGCCCCTGGCGCCGAC[G>C]TCAAGGTCCACAGGGCACGCAAGACCATGCCGAAGTCCGTCGTGGGCCTGGTAATTTTGT-3'
Protein context (NP_079033.4, residues 188-208): DRKLPAPGAD[Val198Leu]KVHRARKTMP